The following is an entry in ClinVar:

NM_024120.5(NDUFAF5):c.245G>A (p.Arg82His)

Gene: NDUFAF5 (NADH:ubiquinone oxidoreductase complex assembly factor 5; plus strand). Cytogenetic location: 20p12.1.
Variant type: single nucleotide variant.
Coding change: c.245G>A on transcript NM_024120.5 (MANE Select); coding-DNA position 245, G replaced by A.
Protein change: p.Arg82His; replaces arginine 82 with histidine.
Molecular consequence: missense variant. On other transcripts: 5 prime UTR variant (3), non-coding transcript variant (7).
Genome position (GRCh38, 1-based): chr20:13,787,334, G>A. VCF-style: chr20-13787334-G-A. GRCh37 (hg19) VCF-style: chr20-13767980-G-A.
Other names: c.245G>A, p.Arg82His (NM_001039375.3, NM_001352408.2); c.-123G>A (NM_001352403.2); c.-337G>A (NM_001352406.2); c.-317G>A (NM_001352407.2); short protein forms R82H.
Identifiers: ClinVar variation 383186 (VCV000383186.6), dbSNP rs376456360, ClinGen allele CA9767664.

ClinVar aggregate classification (germline): Uncertain significance. Review status: criteria provided, multiple submitters, no conflicts (2 of 4 stars). 4 submissions from 4 submitters: Uncertain significance (3). 1 of the submissions does not count toward it. Last evaluated 2024-02-06.

Conditions:
Inborn genetic diseases. Identifiers: MedGen C0950123, MeSH D030342.
Mitochondrial complex I deficiency. Also called: NADH:Q(1) OXIDOREDUCTASE DEFICIENCY. Identifiers: Orphanet 2609, MedGen C1838979, MeSH C537475, MONDO:0100133.

Allele frequency attached by ClinVar (database versions not stated): gnomAD exomes 0.00002 and 0.00004; ExAC 0.00005; ESP Exome Variant Server 0.00008; gnomAD 0.00015 and 0.00018; TOPMed 0.00022.

Submissions (4):

Ambry Genetics
Classification: Uncertain significance for Inborn genetic diseases. Last evaluated: 2024-02-06. Review status: criteria provided, single submitter. Criteria: Ambry Variant Classification Scheme 2023. Collection method: clinical testing. Allele origin: germline.

Labcorp Genetics (formerly Invitae), Labcorp
Classification: Uncertain significance. Last evaluated: 2022-08-23. Review status: criteria provided, single submitter. Criteria: Invitae Variant Classification Sherloc (09022015). Collection method: clinical testing. Allele origin: germline.
Comment: This sequence change replaces arginine, which is basic and polar, with histidine, which is basic and polar, at codon 82 of the NDUFAF5 protein (p.Arg82His). This variant is present in population databases (rs376456360, gnomAD 0.03%). This variant has not been reported in the literature in individuals affected with NDUFAF5-related conditions. ClinVar contains an entry for this variant (Variation ID: 383186). Algorithms developed to predict the effect of missense changes on protein structure and function are either unavailable or do not agree on the potential impact of this missense change (SIFT: "Deleterious"; PolyPhen-2: "Probably Damaging"; Align-GVGD: "Class C0"). In summary, the available evidence is currently insufficient to determine the role of this variant in disease. Therefore, it has been classified as a Variant of Uncertain Significance.

GeneDx
Classification: Uncertain significance. Last evaluated: 2017-12-26. Review status: criteria provided, single submitter. Criteria: GeneDx Variant Classification (06012015). Collection method: clinical testing. Allele origin: germline. Affected: yes.
Comment: The R82H variant in the NDUFAF5 gene has not been reported previously as a pathogenic variant, nor as a benign variant, to our knowledge. The R82H variant was not observed at any significant frequency in approximately 6500 individuals of European and African American ancestry in the NHLBI Exome Sequencing Project, indicating it is not a common benign variant in these populations. The R82H variant is a conservative amino acid substitution, which is not likely to impact secondary protein structure as these residues share similar properties. This substitution occurs at a position that is conserved across species. In silico analysis predicts this variant is probably damaging to the protein structure/function. We interpret R82H as a variant of uncertain significance.

Natera, Inc.
Classification: Uncertain significance for Mitochondrial complex I deficiency. Last evaluated: 2020-09-24. Review status: no assertion criteria provided. Collection method: clinical testing. Allele origin: germline. Not counted in ClinVar's aggregate classification.